The following is an entry in ClinVar:

ClinVar aggregate classification (germline): Benign. Review status: criteria provided, multiple submitters, no conflicts (2 of 4 stars). 8 submissions from 8 submitters: Benign (8). Last evaluated 2026-02-03.

Conditions:
Dilated cardiomyopathy 1G (CMD1G). Identifiers: Orphanet 154, MedGen C1858763, MONDO:0011400, OMIM 604145.
Autosomal recessive limb-girdle muscular dystrophy type 2J (LGMDR10). Also called: Limb-girdle muscular dystrophy, type 2J; MUSCULAR DYSTROPHY, LIMB-GIRDLE, AUTOSOMAL RECESSIVE 10. Identifiers: Orphanet 140922, MedGen C1837342, MONDO:0012127, OMIM 608807.
Cardiomyopathy (CMYO). Also called: Cardiomyopathies. Identifiers: Orphanet 167848, MedGen C0878544, MONDO:0004994, HP:0001638. Inheritance: Various modes of inheritance.

Submissions (8):

Labcorp Genetics (formerly Invitae), Labcorp
Classification: Benign for Dilated cardiomyopathy 1G; Autosomal recessive limb-girdle muscular dystrophy type 2J. Last evaluated: 2026-02-03. Review status: criteria provided, single submitter. Criteria: Invitae Variant Classification Sherloc (09022015). Collection method: clinical testing. Allele origin: germline.

ARUP Laboratories, Molecular Genetics and Genomics, ARUP Laboratories
Classification: Benign. Last evaluated: 2025-05-29. Review status: criteria provided, single submitter. Criteria: ARUP Molecular Germline Variant Investigation Process 2024. Collection method: clinical testing. Allele origin: germline.

Mayo Clinic Laboratories, Mayo Clinic
Classification: Benign. Last evaluated: 2023-10-30. Review status: criteria provided, single submitter. Criteria: ACMG Guidelines, 2015. Collection method: clinical testing. Allele origin: germline. Observed: 25 variant alleles.
Comment: BS1, BS2

GeneDx
Classification: Benign. Last evaluated: 2020-08-26. Review status: criteria provided, single submitter. Criteria: GeneDx Variant Classification Process June 2021. Collection method: clinical testing. Allele origin: germline. Affected: yes.

CHEO Genetics Diagnostic Laboratory, Children's Hospital of Eastern Ontario
Classification: Benign for Cardiomyopathy. Last evaluated: 2020-01-23. Review status: criteria provided, single submitter. Criteria: ACMG Guidelines, 2015. Collection method: clinical testing. Allele origin: germline. Study: Canadian Open Genetics Repository.

Women's Health and Genetics/Laboratory Corporation of America, LabCorp
Classification: Benign. Last evaluated: 2019-08-19. Review status: criteria provided, single submitter. Criteria: LabCorp Variant Classification Summary - May 2015. Collection method: clinical testing. Allele origin: germline.
Comment: Variant summary: TTN c.23030-19_23030-10dup10 alters a non-conserved nucleotide located close to a canonical splice site and therefore could affect mRNA splicing, leading to a significantly altered protein sequence. 5/5 computational tools predict no significant impact on normal splicing. However, these predictions have yet to be confirmed by functional studies.The variant allele was found at a frequency of 0.0069 in 131482 control chromosomes, predominantly at a frequency of 0.043 within the African or African-American subpopulation in the gnomAD database, including 12 homozygotes. The observed variant frequency within African or African-American control individuals in the gnomAD database is approximately 69-folds over the estimated maximal expected allele frequency for a pathogenic variant in TTN causing Cardiomyopathy phenotype (0.00063), strongly suggesting that the variant is a benign polymorphism found primarily in populations of African or African-American origin. Five ClinVar submissions (evaluation after 2014) cites the variant as likely benign/benign. Based on the evidence outlined above, the variant was classified as benign.

Eurofins Ntd Llc (ga)
Classification: Benign. Last evaluated: 2015-09-15. Review status: criteria provided, single submitter. Criteria: EGL Classification Definitions. Collection method: clinical testing. Allele origin: germline. Observed: 1 variant allele.

Laboratory for Molecular Medicine, Mass General Brigham Personalized Medicine
Classification: Benign. Last evaluated: 2015-06-25. Review status: criteria provided, single submitter. Criteria: LMM Criteria. Collection method: clinical testing. Allele origin: germline. Observed: 5 variant alleles.
Comment: c.23030-39TTTGT[8] in intron 89 of TTN: This variant is part of a 5 bp repeat (T TTGT) and adds 2 repeat units to 6 present in the reference sequence. It is not expected to have clinical significance because it has been identified in 3.9% (8 2/2118) of African chromosomes (ExAC; dbSNP rs71 393436). Although this variant is located in the splice region, computational to ols do not predict an effect.

NM_001267550.2(TTN):c.26762-39TTTGT[8]

Gene: TTN (titin; minus strand). Cytogenetic location: 2q31.2.
Variant type: Microsatellite.
Coding change: c.26762-39TTTGT[8] on transcript NM_001267550.2 (MANE Select); eight copies in a row of the 5-base unit TTTGT starting at c.26762-39; the reference has six copies in a row; two copies, 10 bases duplicated.
Molecular consequence: intron variant.
Genome position (GRCh38, 1-based): chr2:178,713,382-178,713,391, ACAAAACAAA duplicated on the plus strand (TTTGTTTTGT on the coding strand, the reverse complement: TTN is on the minus strand); duplicating any 10 consecutive bases within chr2:178,713,382-178,713,412 gives the same sequence; the position shown is the placement nearest the transcript's 3' end. VCF-style (leftmost placement, unchanged base first): chr2-178713381-T-TACAAAACAAA. GRCh37 (hg19) VCF-style: chr2-179578108-T-TACAAAACAAA.
Other names: p.?; c.13282+24671TTTGT[8] (NM_003319.4); c.13858+24671TTTGT[8] (NM_133437.4); c.13657+24671TTTGT[8] (NM_133432.3); c.23030-39TTTGT[8] (NM_133378.4); c.25811-39TTTGT[8] (NM_001256850.1); c.26762-19_26762-10dup (NM_001267550.2); c.26762-19_26762-10dupTTTGTTTTGT (NM_001267550.2); and 2 more.
Identifiers: ClinVar variation 167796 (VCV000167796.28), dbSNP rs71393436, ClinGen allele CA180467.